The following is an entry in ClinVar:

ClinVar aggregate classification (germline): Pathogenic (1 of 4 stars; one submission).

Conditions:
Irido-corneo-trabecular dysgenesis (ASGD5). Also called: ANTERIOR SEGMENT DYSGENESIS 5. Identifiers: Orphanet 708, MedGen C0344559, MONDO:0011414, OMIM 604229, HP:0000659.

Submission:

Genetics Department, University Hospital of Toulouse
Classification: Pathogenic for Irido-corneo-trabecular dysgenesis. Last evaluated: 2020-11-26. Review status: criteria provided, single submitter. Criteria: ACMG Guidelines, 2015. Collection method: clinical testing. Allele origin: germline. Affected: yes. Observed: 2 variant alleles.
Comment: PS2, PM1, PM2, PP3

NM_001368894.2(PAX6):c.38G>C (p.Gly13Ala)

Gene: PAX6 (paired box 6; minus strand). Cytogenetic location: 11p13.
Variant type: single nucleotide variant.
Coding change: c.38G>C on transcript NM_001368894.2 (MANE Select); coding-DNA position 38, G replaced by C.
Protein change: p.Gly13Ala; replaces glycine 13 with alanine.
Molecular consequence: missense variant. On other transcripts: 5 prime UTR variant (12), non-coding transcript variant (2), intron variant (2).
Genome position (GRCh38, 1-based): chr11:31,802,807, C>G on the plus strand (G>C on the coding strand, the complement: PAX6 is on the minus strand). VCF-style: chr11-31802807-C-G. GRCh37 (hg19) VCF-style: chr11-31824355-C-G.
Other names: c.38G>C, p.Gly13Ala (NM_000280.6, NM_001127612.3, NM_001258462.3 and 30 more transcripts); c.-744G>C (NM_001310160.2, NM_001368905.2); c.-413G>C (NM_001310161.3, NM_001368900.2, NM_001368903.2 and 2 more transcripts); c.-371G>C (NM_001368899.2, NM_001368901.2, NM_001368906.2 and 1 more transcripts); c.-702G>C (NM_001368902.2); c.281G>C, p.Gly94Ala (NM_001368910.2); c.41G>C, p.Gly14Ala (NM_001368911.2); c.-267-1031G>C (NM_001368909.2, NM_001368904.2); short protein forms G13A, G14A, G94A.
Identifiers: ClinVar variation 988072 (VCV000988072.3), dbSNP rs1954548195, ClinGen allele CA379959675.
Genomic context (GRCh38, chr11:31,802,807, plus strand): 5'-GCTAGCTCTACAATCTTCTGCCGGGTGGAGTCCGGCAGTGGCCGCCCGTTGACAAAGACA[C>G]CACCGAGCTGATTCACTCCGCTGTGACCTGAGGAAAGGGAGAGGAGAGGAAAGGGGAAAA-3'
Protein context (NP_001355823.1, residues 3-23): NSHSGVNQLG[Gly13Ala]VFVNGRPLPD